The following is an entry in ClinVar:

NM_020822.3(KCNT1):c.1577C>T (p.Thr526Ile)

Gene: KCNT1 (potassium sodium-activated channel subfamily T member 1; plus strand). Cytogenetic location: 9q34.3.
Variant type: single nucleotide variant.
Coding change: c.1577C>T on transcript NM_020822.3 (MANE Select); coding-DNA position 1577, C replaced by T.
Protein change: p.Thr526Ile; replaces threonine 526 with isoleucine.
Molecular consequence: missense variant.
Genome position (GRCh38, 1-based): chr9:135,770,013, C>T. VCF-style: chr9-135770013-C-T. GRCh37 (hg19) VCF-style: chr9-138661859-C-T.
Other names: c.1577C>T (NM_020822.2); c.1442C>T, p.Thr481Ile (NM_001272003.2); short protein forms T481I, T526I.
Identifiers: ClinVar variation 1525298 (VCV001525298.11), dbSNP rs753874335, ClinGen allele CA375505974.

ClinVar aggregate classification (germline): Uncertain significance. Review status: criteria provided, multiple submitters, no conflicts (2 of 4 stars). 3 submissions from 3 submitters: Uncertain significance (3). Last evaluated 2025-02-12.

Conditions:
Developmental and epileptic encephalopathy, 14 (DEE14). Also called: Early infantile epileptic encephalopathy 14. Identifiers: Orphanet 293181, MedGen C3554195, MONDO:0013989, OMIM 614959.
Autosomal dominant nocturnal frontal lobe epilepsy 5. Also called: KCNT1-Related Epilepsy; Epilepsy, nocturnal frontal lobe, 5; CILIARY DYSKINESIA, PRIMARY, 28, WITHOUT SITUS INVERSUS; CILIARY DYSKINESIA, PRIMARY, 28, WITH SITUS INVERSUS. Identifiers: Orphanet 98784, MedGen C3554306, MONDO:0014002, OMIM 615005.
Inborn genetic diseases. Identifiers: MedGen C0950123, MeSH D030342.

Allele frequency attached by ClinVar (database versions not stated): gnomAD 0.00001.
gnomAD v4.1: 3 of 1,555,820 alleles (0.00019%); highest among the groups gnomAD compares: Non-Finnish European, 0.00026%; no homozygotes.

Submissions (3):

Ambry Genetics
Classification: Uncertain significance for Inborn genetic diseases. Last evaluated: 2025-02-12. Review status: criteria provided, single submitter. Criteria: Ambry Variant Classification Scheme 2023. Collection method: clinical testing. Allele origin: germline.

Labcorp Genetics (formerly Invitae), Labcorp
Classification: Uncertain significance for Autosomal dominant nocturnal frontal lobe epilepsy 5; Developmental and epileptic encephalopathy, 14. Last evaluated: 2023-08-14. Review status: criteria provided, single submitter. Criteria: Invitae Variant Classification Sherloc (09022015). Collection method: clinical testing. Allele origin: germline.
Comment: This variant is not present in population databases (gnomAD no frequency). This sequence change replaces threonine, which is neutral and polar, with isoleucine, which is neutral and non-polar, at codon 526 of the KCNT1 protein (p.Thr526Ile). This variant has not been reported in the literature in individuals affected with KCNT1-related conditions. ClinVar contains an entry for this variant (Variation ID: 1525298). Advanced modeling of protein sequence and biophysical properties (such as structural, functional, and spatial information, amino acid conservation, physicochemical variation, residue mobility, and thermodynamic stability) performed at Invitae indicates that this missense variant is not expected to disrupt KCNT1 protein function. In summary, the available evidence is currently insufficient to determine the role of this variant in disease. Therefore, it has been classified as a Variant of Uncertain Significance.

Revvity Omics, Revvity
Classification: Uncertain significance. Last evaluated: 2021-12-06. Review status: criteria provided, single submitter. Criteria: ACMG Guidelines, 2015. Collection method: clinical testing. Allele origin: germline.